The following is an entry in ClinVar:

NM_004621.6(TRPC6):c.2299G>A (p.Val767Met)

Gene: TRPC6 (transient receptor potential cation channel subfamily C member 6; minus strand). Cytogenetic location: 11q22.1.
Variant type: single nucleotide variant.
Coding change: c.2299G>A on transcript NM_004621.6 (MANE Select); coding-DNA position 2299, G replaced by A.
Protein change: p.Val767Met; replaces valine 767 with methionine.
Molecular consequence: missense variant.
Genome position (GRCh38, 1-based): chr11:101,471,293, C>T on the plus strand (G>A on the coding strand, the complement: TRPC6 is on the minus strand). VCF-style: chr11-101471293-C-T. GRCh37 (hg19) VCF-style: chr11-101342024-C-T.
Other names: short protein forms V767M.
Identifiers: ClinVar variation 877461 (VCV000877461.12), dbSNP rs200772226, ClinGen allele CA6244157.

ClinVar aggregate classification (germline): Conflicting classifications of pathogenicity. Review status: criteria provided, conflicting classifications (1 of 4 stars). 4 submissions from 4 submitters: Uncertain significance (2); Benign (1); Likely benign (1). Last evaluated 2025-06-12.

Conditions:
Focal segmental glomerulosclerosis 2 (FSGS2). Identifiers: Orphanet 656, MedGen C1858915, MONDO:0011390, OMIM 603965.
Inborn genetic diseases. Identifiers: MedGen C0950123, MeSH D030342.

Allele frequency attached by ClinVar (database versions not stated): gnomAD exomes 0.00001 and 0.00006; ExAC 0.00009; TOPMed 0.00016.
gnomAD v4.1: 46 of 1,613,822 alleles (0.0029%); highest among the groups gnomAD compares: African/African-American, 0.057%; 1 homozygote.

Submissions (4):

Labcorp Genetics (formerly Invitae), Labcorp
Classification: Likely benign. Last evaluated: 2025-06-12. Review status: criteria provided, single submitter. Criteria: Invitae Variant Classification Sherloc (09022015). Collection method: clinical testing. Allele origin: germline.

Ambry Genetics
Classification: Uncertain significance for Inborn genetic diseases. Last evaluated: 2023-03-23. Review status: criteria provided, single submitter. Criteria: Ambry Variant Classification Scheme 2023. Collection method: clinical testing. Allele origin: germline.

Revvity Omics, Revvity
Classification: Uncertain significance for Focal segmental glomerulosclerosis 2. Last evaluated: 2019-12-16. Review status: criteria provided, single submitter. Criteria: ACMG Guidelines, 2015. Collection method: clinical testing. Allele origin: germline.

Illumina Laboratory Services, Illumina
Classification: Benign for Focal segmental glomerulosclerosis 2. Last evaluated: 2018-01-13. Review status: criteria provided, single submitter. Criteria: ICSL Variant Classification Criteria 13 December 2019. Collection method: clinical testing. Allele origin: germline.
Comment: This variant was observed in the ICSL laboratory as part of a predisposition screen in an ostensibly healthy population. It had not been previously curated by ICSL or reported in the Human Gene Mutation Database (HGMD: prior to June 1st, 2018), and was therefore a candidate for classification through an automated scoring system. Utilizing variant allele frequency, disease prevalence and penetrance estimates, and inheritance mode, an automated score was calculated to assess if this variant is too frequent to cause the disease. Based on the score and internal cut-off values, a variant classified as benign is not then subjected to further curation. The score for this variant resulted in a classification of benign for this disease.